The following is an entry in ClinVar:

ClinVar aggregate classification (germline): Uncertain significance (1 of 4 stars; one submission).

Submission:

OLLIN Analises Genomicas, OLLIN
Classification: Uncertain significance. Last evaluated: 2026-08-06. Review status: criteria provided, single submitter. Criteria: ACMG Guidelines 2015 PMID 25741868. Collection method: clinical testing. Allele origin: germline.
Comment: This missense variant, located in exon 9 (of 11), has been observed in gnomAD with an allele frequency of 0.00043%, but has not been reported in ClinVar or identified in the literature. In silico analysis predicts that this variant has a deleterious effect. According to the currently available evidence, this variant has been classified as uncertain significance (PM2_P, PP3).

NM_012140.5(SLC25A10):c.676C>T (p.Arg226Cys)

Gene: SLC25A10 (solute carrier family 25 member 10; plus strand). Cytogenetic location: 17q25.3.
Variant type: single nucleotide variant.
Coding change: c.676C>T on transcript NM_012140.5 (MANE Select); coding-DNA position 676, C replaced by T.
Protein change: p.Arg226Cys; replaces arginine 226 with cysteine.
Molecular consequence: missense variant.
Genome position (GRCh38, 1-based): chr17:81,717,832, C>T. VCF-style: chr17-81717832-C-T. GRCh37 (hg19) VCF-style: chr17-79684862-C-T.
Other names: c.703C>T, p.Arg235Cys (NM_001270888.2); c.593C>T, p.Ser198Leu (NM_001270953.2); short protein forms R226C, S198L, R235C.
Identifiers: ClinVar variation 5002744 (VCV005002744.1).